The following is an entry in ClinVar:

NM_001134363.3(RBM20):c.2396A>G (p.Asp799Gly)

Gene: RBM20 (RNA binding motif protein 20; plus strand). Cytogenetic location: 10q25.2.
Variant type: single nucleotide variant.
Coding change: c.2396A>G on transcript NM_001134363.3 (MANE Select); coding-DNA position 2396, A replaced by G.
Protein change: p.Asp799Gly; replaces aspartic acid 799 with glycine.
Molecular consequence: missense variant.
Genome position (GRCh38, 1-based): chr10:110,812,793, A>G. VCF-style: chr10-110812793-A-G. GRCh37 (hg19) VCF-style: chr10-112572551-A-G.
Other names: short protein forms D799G.
Identifiers: ClinVar variation 2190828 (VCV002190828.5), dbSNP rs2493475770, ClinGen allele CA378373752.
Genomic context (GRCh38, chr10:110,812,793, plus strand): 5'-CCGGGAGGTCCAGGAGGAAAGACGAGGCCAGGCTGCGGGAAAGCAGACACCCCCATCCGG[A>G]TGACTCAGGCAAGGAAGATGGGCTGGGGCCAAAGGTCACTAGGGCCCCTGAGGGCGCCAA-3'
Protein context (NP_001127835.2, residues 789-809): RLRESRHPHP[Asp799Gly]DSGKEDGLGP

ClinVar aggregate classification (germline): Uncertain significance. Review status: criteria provided, multiple submitters, no conflicts (2 of 4 stars). 2 submissions from 2 submitters: Uncertain significance (2). Last evaluated 2025-01-09.

Conditions:
Dilated cardiomyopathy 1DD (CMD1DD). Identifiers: Orphanet 154, MedGen C2750995, MONDO:0013168, OMIM 613172.
Cardiovascular phenotype. Identifiers: MedGen CN230736.

Allele frequency attached by ClinVar (database versions not stated): gnomAD exomes below 0.00001.

Submissions (2):

Ambry Genetics
Classification: Uncertain significance for Cardiovascular phenotype. Last evaluated: 2025-01-09. Review status: criteria provided, single submitter. Criteria: Ambry Variant Classification Scheme 2023. Collection method: clinical testing. Allele origin: germline.

Labcorp Genetics (formerly Invitae), Labcorp
Classification: Uncertain significance for Dilated cardiomyopathy 1DD. Last evaluated: 2022-09-10. Review status: criteria provided, single submitter. Criteria: Invitae Variant Classification Sherloc (09022015). Collection method: clinical testing. Allele origin: germline.
Comment: This variant has not been reported in the literature in individuals affected with RBM20-related conditions. In summary, the available evidence is currently insufficient to determine the role of this variant in disease. Therefore, it has been classified as a Variant of Uncertain Significance. Advanced modeling of protein sequence and biophysical properties (such as structural, functional, and spatial information, amino acid conservation, physicochemical variation, residue mobility, and thermodynamic stability) performed at Invitae indicates that this missense variant is not expected to disrupt RBM20 protein function. This variant is not present in population databases (gnomAD no frequency). This sequence change replaces aspartic acid, which is acidic and polar, with glycine, which is neutral and non-polar, at codon 799 of the RBM20 protein (p.Asp799Gly).